The following is an entry in ClinVar:

ClinVar aggregate classification (germline): Uncertain significance (1 of 4 stars; one submission).

Submission:

Ambry Genetics
Classification: Uncertain significance. Last evaluated: 2023-06-24. Review status: criteria provided, single submitter. Criteria: Ambry Variant Classification Scheme 2023. Collection method: clinical testing. Allele origin: germline.
Comment: The p.S356F variant (also known as c.1067C>T), located in coding exon 2 of the PALLD gene, results from a C to T substitution at nucleotide position 1067. The serine at codon 356 is replaced by phenylalanine, an amino acid with highly dissimilar properties. This amino acid position is conserved. In addition, this alteration is predicted to be deleterious by in silico analysis. Since supporting evidence is limited at this time, the clinical significance of this alteration remains unclear.

NM_001166108.2(PALLD):c.1067C>T (p.Ser356Phe)

Gene: PALLD (palladin, cytoskeletal associated protein; plus strand). Cytogenetic location: 4q32.3.
Variant type: single nucleotide variant.
Coding change: c.1067C>T on transcript NM_001166108.2 (MANE Select); coding-DNA position 1067, C replaced by T.
Protein change: p.Ser356Phe; replaces serine 356 with phenylalanine.
Molecular consequence: missense variant. On other transcripts: 5 prime UTR variant (1).
Genome position (GRCh38, 1-based): chr4:168,668,348, C>T. VCF-style: chr4-168668348-C-T. GRCh37 (hg19) VCF-style: chr4-169589499-C-T.
Other names: c.-80C>T (NM_001166109.2); c.1067C>T, p.Ser356Phe (NM_016081.4); short protein forms S356F.
Identifiers: ClinVar variation 2622991 (VCV002622991.2), dbSNP rs1366934650, ClinGen allele CA358793921.
Genomic context (GRCh38, chr4:168,668,348, plus strand): 5'-AGGACGACACAGGTCGCTACACCTGTTTGGCTACGAATCCCAGCGGCTCAGACACAACAT[C>T]TGCTGAGGTGTTCATTGAAGGTAAGGAGGGGTGCCTGGTAATGGGGGATAAAGGGGTGTC-3'
Protein context (NP_001159580.1, residues 346-366): ATNPSGSDTT[Ser356Phe]AEVFIEGASS